The following is an entry in ClinVar:

ClinVar aggregate classification (germline): Pathogenic/Likely pathogenic. Review status: criteria provided, multiple submitters, no conflicts (2 of 4 stars). 2 submissions from 2 submitters: Pathogenic (1); Likely pathogenic (1). Last evaluated 2024-04-01.

Conditions:
SPTB-related disorder. Also called: SPTB-Related Disorders; SPTB-related condition.

Submissions (2):

CeGaT Center for Human Genetics Tuebingen
Classification: Pathogenic. Last evaluated: 2024-04-01. Review status: criteria provided, single submitter. Criteria: CeGaT Center For Human Genetics Tuebingen Variant Classification Criteria Version 2. Collection method: clinical testing. Allele origin: germline. Affected: yes. Observed: 1 variant allele.
Comment: SPTB: PVS1, PM2, PM6, PS4:Supporting

Blueprint Genetics
Classification: Likely pathogenic for SPTB-related disorders. Last evaluated: 2018-01-04. Review status: criteria provided, single submitter. Criteria: ACMG Guidelines, 2015. Collection method: clinical testing. Allele origin: germline. Affected: yes. Observed: 1 variant allele.

NM_001355436.2(SPTB):c.5789_5798+1del

Gene: SPTB (spectrin beta, erythrocytic; minus strand). Cytogenetic location: 14q23.3.
Variant type: Deletion.
Coding change: c.5789_5798+1del on transcript NM_001355436.2 (MANE Select); coding-DNA position 5789 through the canonical splice donor site of the intron after coding-DNA position 5798, 11 bases deleted (AGAGGCCCAGG).
Molecular consequence: splice donor variant.
Genome position (GRCh38, 1-based): chr14:64,770,884-64,770,894, CCTGGGCCTCT deleted on the plus strand (AGAGGCCCAGG on the coding strand, the reverse complement: SPTB is on the minus strand); deleting any 11 consecutive bases within chr14:64,770,884-64,770,900 gives the same sequence; the c. name uses the placement nearest the transcript's 3' end. VCF-style (leftmost placement, unchanged base first): chr14-64770883-ACCTGGGCCTCT-A. GRCh37 (hg19) VCF-style: chr14-65237601-ACCTGGGCCTCT-A.
Other names: c.5789_5798+1del (NM_001024858.4, NM_001355437.2).
Identifiers: ClinVar variation 3234822 (VCV003234822.21), dbSNP rs2503047636, ClinGen allele CA2695219396.